The following is an entry in ClinVar:

ClinVar aggregate classification (germline): Uncertain significance (1 of 4 stars; one submission).

Conditions:
Amyotrophic lateral sclerosis type 15. Also called: AMYOTROPHIC LATERAL SCLEROSIS 15 WITH FRONTOTEMPORAL DEMENTIA. Identifiers: Orphanet 803, MedGen C3275459, MONDO:0010459, OMIM 300857.

Allele frequency attached by ClinVar (database versions not stated): gnomAD exomes below 0.00001; TOPMed 0.00001.

Submission:

Labcorp Genetics (formerly Invitae), Labcorp
Classification: Uncertain significance for Amyotrophic lateral sclerosis type 15. Last evaluated: 2023-11-18. Review status: criteria provided, single submitter. Criteria: Invitae Variant Classification Sherloc (09022015). Collection method: clinical testing. Allele origin: germline.
Comment: This sequence change replaces serine, which is neutral and polar, with isoleucine, which is neutral and non-polar, at codon 147 of the UBQLN2 protein (p.Ser147Ile). This variant is not present in population databases (gnomAD no frequency). This variant has not been reported in the literature in individuals affected with UBQLN2-related conditions. Advanced modeling of protein sequence and biophysical properties (such as structural, functional, and spatial information, amino acid conservation, physicochemical variation, residue mobility, and thermodynamic stability) performed at Invitae indicates that this missense variant is not expected to disrupt UBQLN2 protein function with a negative predictive value of 80%. In summary, the available evidence is currently insufficient to determine the role of this variant in disease. Therefore, it has been classified as a Variant of Uncertain Significance.

NM_013444.4(UBQLN2):c.440G>T (p.Ser147Ile)

Gene: UBQLN2 (ubiquilin 2; plus strand). Cytogenetic location: Xp11.21.
Variant type: single nucleotide variant.
Coding change: c.440G>T on transcript NM_013444.4 (MANE Select); coding-DNA position 440, G replaced by T.
Protein change: p.Ser147Ile; replaces serine 147 with isoleucine.
Molecular consequence: missense variant.
Genome position (GRCh38, 1-based): chrX:56,564,313, G>T. VCF-style: chrX-56564313-G-T. GRCh37 (hg19) VCF-style: chrX-56590746-G-T.
Other names: short protein forms S147I.
Identifiers: ClinVar variation 2800157 (VCV002800157.3), dbSNP rs2068630493, ClinGen allele CA413378324.